The following is an entry in ClinVar:

ClinVar aggregate classification (germline): Uncertain significance. Review status: criteria provided, multiple submitters, no conflicts (2 of 4 stars). 3 submissions from 3 submitters: Uncertain significance (3). Last evaluated 2023-05-23.

Conditions:
Hereditary nonpolyposis colorectal neoplasms. Identifiers: MedGen C0009405, MeSH D003123.
Hereditary cancer-predisposing syndrome. Also called: Neoplastic Syndromes, Hereditary; Tumor predisposition; Hereditary Cancer Syndrome; Hereditary neoplastic syndrome. Identifiers: Orphanet 140162, MedGen C0027672, MeSH D009386, MONDO:0015356.
Lynch syndrome. Identifiers: Orphanet 144, MedGen C4552100, MONDO:0005835. Disease mechanism: loss of function.

Allele frequency attached by ClinVar (database versions not stated): gnomAD exomes below 0.00001.
gnomAD v4.1: 1 of 1,611,896 alleles (0.000062%); highest among the groups gnomAD compares: Non-Finnish European, 0.000085%; no homozygotes.

Submissions (3):

Labcorp Genetics (formerly Invitae), Labcorp
Classification: Uncertain significance for Hereditary nonpolyposis colorectal neoplasms. Last evaluated: 2023-05-23. Review status: criteria provided, single submitter. Criteria: Invitae Variant Classification Sherloc (09022015). Collection method: clinical testing. Allele origin: germline.
Comment: This sequence change replaces aspartic acid, which is acidic and polar, with glutamic acid, which is acidic and polar, at codon 298 of the PMS2 protein (p.Asp298Glu). This variant is not present in population databases (gnomAD no frequency). This variant has not been reported in the literature in individuals affected with PMS2-related conditions. ClinVar contains an entry for this variant (Variation ID: 1765208). Advanced modeling of protein sequence and biophysical properties (such as structural, functional, and spatial information, amino acid conservation, physicochemical variation, residue mobility, and thermodynamic stability) performed at Invitae indicates that this missense variant is not expected to disrupt PMS2 protein function. In summary, the available evidence is currently insufficient to determine the role of this variant in disease. Therefore, it has been classified as a Variant of Uncertain Significance.

All of Us Research Program, National Institutes of Health
Classification: Uncertain significance for Lynch syndrome. Last evaluated: 2023-05-04. Review status: criteria provided, single submitter. Criteria: ACMG Guidelines, 2015. Collection method: clinical testing. Allele origin: germline. Inheritance: Autosomal dominant inheritance. Observed: 1 variant allele, 1 heterozygote.
Comment: This missense variant replaces aspartic acid with glutamic acid at codon 298 of the PMS2 protein. Computational prediction is inconclusive regarding the impact of this variant on protein structure and function (internally defined REVEL score threshold 0.5 < inconclusive < 0.7, PMID: 27666373). To our knowledge, functional studies have not been reported for this variant. This variant has not been reported in individuals affected with PMS2-related disorders in the literature. This variant has not been identified in the general population by the Genome Aggregation Database (gnomAD). The available evidence is insufficient to determine the role of this variant in disease conclusively. Therefore, this variant is classified as a Variant of Uncertain Significance.

This study involves interpretation of variants in research participants for the purpose of population health screening. Participant phenotype was not available at the time of variant classification. Additional details can be found in publication PMID: 35346344, PMCID: PMC8962531

Ambry Genetics
Classification: Uncertain significance for Hereditary cancer-predisposing syndrome. Last evaluated: 2022-02-05. Review status: criteria provided, single submitter. Criteria: Ambry Variant Classification Scheme 2023. Collection method: clinical testing. Allele origin: germline.
Comment: The p.D298E variant (also known as c.894C>A), located in coding exon 8 of the PMS2 gene, results from a C to A substitution at nucleotide position 894. The aspartic acid at codon 298 is replaced by glutamic acid, an amino acid with highly similar properties. This amino acid position is conserved. In addition, the in silico prediction for this alteration is inconclusive. Since supporting evidence is limited at this time, the clinical significance of this alteration remains unclear.

NM_000535.7(PMS2):c.894C>A (p.Asp298Glu)

Gene: PMS2 (PMS1 homolog 2, mismatch repair system component; minus strand). Cytogenetic location: 7p22.1.
Variant type: single nucleotide variant.
Coding change: c.894C>A on transcript NM_000535.7 (MANE Select); coding-DNA position 894, C replaced by A.
Protein change: p.Asp298Glu; replaces aspartic acid 298 with glutamic acid.
Molecular consequence: missense variant. On other transcripts: 5 prime UTR variant (2), non-coding transcript variant (1).
Genome position (GRCh38, 1-based): chr7:5,995,543, G>T on the plus strand (C>A on the coding strand, the complement: PMS2 is on the minus strand). VCF-style: chr7-5995543-G-T. GRCh37 (hg19) VCF-style: chr7-6035174-G-T.
Other names: c.585C>A, p.Asp195Glu (NM_001406875.1, NM_001406878.1, NM_001406877.1 and 6 more transcripts); c.576C>A, p.Asp192Glu (NM_001406876.1, NM_001322007.2, NM_001322008.2 and 4 more transcripts); c.489C>A, p.Asp163Glu (NM_001018040.1, NM_001322003.2, NM_001322004.2 and 20 more transcripts); c.894C>A, p.Asp298Glu (NM_001322006.2, NM_001322014.2, NM_001406870.1 and 2 more transcripts); c.-40C>A (NM_001322011.2, NM_001322012.2); c.321C>A, p.Asp107Glu (NM_001322013.2, NM_001406909.1); c.1080C>A, p.Asp360Glu (NM_001406866.1); c.918C>A, p.Asp306Glu (NM_001406868.1); and 4 more; short protein forms D186E, D242E, D127E, D163E, D192E, D195E, D298E, D306E.
Identifiers: ClinVar variation 1765208 (VCV001765208.6), dbSNP rs2128774513, ClinGen allele CA366743414.